The following is an entry in ClinVar:

ClinVar aggregate classification (germline): Uncertain significance (1 of 4 stars; one submission).

Conditions:
RASopathy. Also called: Noonan spectrum disorder; rasopathies. Identifiers: Orphanet 536391, MedGen C5555857, MONDO:0021060.

Submission:

Labcorp Genetics (formerly Invitae), Labcorp
Classification: Uncertain significance for RASopathy. Last evaluated: 2024-05-22. Review status: criteria provided, single submitter. Criteria: Invitae Variant Classification Sherloc (09022015). Collection method: clinical testing. Allele origin: germline.
Comment: This sequence change replaces alanine, which is neutral and non-polar, with threonine, which is neutral and polar, at codon 155 of the NRAS protein (p.Ala155Thr). This variant is not present in population databases (gnomAD no frequency). This variant has not been reported in the literature in individuals affected with NRAS-related conditions. Advanced modeling of protein sequence and biophysical properties (such as structural, functional, and spatial information, amino acid conservation, physicochemical variation, residue mobility, and thermodynamic stability) performed at Invitae indicates that this missense variant is expected to disrupt NRAS protein function with a positive predictive value of 95%. In summary, the available evidence is currently insufficient to determine the role of this variant in disease. Therefore, it has been classified as a Variant of Uncertain Significance.

NM_002524.5(NRAS):c.463G>A (p.Ala155Thr)

Gene: NRAS (NRAS proto-oncogene, GTPase; minus strand). Cytogenetic location: 1p13.2.
Variant type: single nucleotide variant.
Coding change: c.463G>A on transcript NM_002524.5 (MANE Select); coding-DNA position 463, G replaced by A.
Protein change: p.Ala155Thr; replaces alanine 155 with threonine.
Molecular consequence: missense variant.
Genome position (GRCh38, 1-based): chr1:114,708,642, C>T on the plus strand (G>A on the coding strand, the complement: NRAS is on the minus strand). VCF-style: chr1-114708642-C-T. GRCh37 (hg19) VCF-style: chr1-115251263-C-T.
Other names: short protein forms A155T.
Identifiers: ClinVar variation 3689494 (VCV003689494.2).
Genomic context (GRCh38, chr1:114,708,642, plus strand): 5'-CACTGCTGTTGAGTTTTTTCATTCGGTACTGGCGTATTTCTCTTACCAGTGTGTAAAAAG[C>T]ATCTTCAACACCCTATAAAAGGAAAAAATGAAAAAAAATGAGAGAGCTAGCTCAACGGAC-3'
Protein context (NP_002515.1, residues 145-165): SAKTRQGVED[Ala155Thr]FYTLVREIRQ